The following is an entry in ClinVar:

ClinVar aggregate classification (germline): Conflicting classifications of pathogenicity. Review status: criteria provided, conflicting classifications (1 of 4 stars). 4 submissions from 4 submitters: Uncertain significance (3); Likely benign (1). Last evaluated 2026-04-06.

Conditions:
PKD1-related disorder. Also called: PKD1-related condition.
Polycystic kidney disease, adult type (PKD1). Also called: Polycystic Kidney Disease 1, Autosomal Dominant; Polycystic kidney disease 1; Polycystic kidney disease 1, severe; POLYCYSTIC KIDNEY DISEASE, ADULT, TYPE I; Polycystic Kidney, Autosomal Dominant; POLYCYSTIC KIDNEY DISEASE 1 WITH OR WITHOUT POLYCYSTIC LIVER DISEASE. Identifiers: MedGen C3149841, MONDO:0008263, OMIM 173900.

gnomAD v4.1: 53 of 1,583,076 alleles (0.0033%); highest among the groups gnomAD compares: East Asian, 0.069%; 1 homozygote.

Submissions (4):

PreventionGenetics, part of Exact Sciences
Classification: Uncertain significance for PKD1-related condition. Last evaluated: 2026-04-06. Review status: criteria provided, single submitter. Criteria: ACMG Guidelines, 2015. Collection method: clinical testing. Allele origin: germline.
Comment: The PKD1 c.3613G>C variant is predicted to result in the amino acid substitution p.Asp1205His. This variant was reported in an individual with a family history of polycystic kidney disease (Table 2, He et al 2018. PubMed ID: 30333007). This variant is reported in 0.069% of alleles in individuals of East Asian descent in gnomAD v4.1.0 and there is a homozygote in this database. Although we suspect that this variant may be benign, at this time, the clinical significance of this variant is uncertain due to the absence of conclusive functional and genetic evidence.

Fulgent Genetics
Classification: Uncertain significance for Polycystic kidney disease, adult type. Last evaluated: 2024-05-16. Review status: criteria provided, single submitter. Criteria: ACMG Guidelines, 2015. Collection method: clinical testing. Allele origin: germline.

Department of Pathology and Laboratory Medicine, Sinai Health System
Classification: Likely benign for Polycystic kidney disease, adult type. Last evaluated: 2024-04-09. Review status: criteria provided, single submitter. Criteria: ACMG Guidelines, 2015. Collection method: clinical testing. Allele origin: germline. Affected: yes.

Juno Genomics, Hangzhou Juno Genomics, Inc
Classification: Uncertain significance for Polycystic kidney disease, adult type. Review status: criteria provided, single submitter. Criteria: ACMG Guidelines, 2015. Collection method: clinical testing. Allele origin: germline.
Comment: Absent from controls (or at extremely low frequency if recessive) in Genome Aggregation Database.;Multiple lines of computational evidence suggest no impact on gene or gene product.

Literature cited by the submitters: PubMed 30333007 (cited by Department of Pathology and Laboratory Medicine, Sinai Health System).

NM_001009944.3(PKD1):c.3613G>C (p.Asp1205His)

Gene: PKD1 (polycystin 1, transient receptor potential channel interacting; minus strand). Cytogenetic location: 16p13.3.
Variant type: single nucleotide variant.
Coding change: c.3613G>C on transcript NM_001009944.3 (MANE Select); coding-DNA position 3613, G replaced by C.
Protein change: p.Asp1205His; replaces aspartic acid 1205 with histidine.
Molecular consequence: missense variant.
Genome position (GRCh38, 1-based): chr16:2,111,554, C>G on the plus strand (G>C on the coding strand, the complement: PKD1 is on the minus strand). VCF-style: chr16-2111554-C-G. GRCh37 (hg19) VCF-style: chr16-2161555-C-G.
Other names: c.3613G>C, p.Asp1205His (NM_000296.4); short protein forms D1205H.
Identifiers: ClinVar variation 3353204 (VCV003353204.5).